The following is an entry in ClinVar:

ClinVar aggregate classification (germline): Uncertain significance (1 of 4 stars; one submission).

gnomAD v4.1: 1 of 1,597,072 alleles (0.000063%); highest among the groups gnomAD compares: Non-Finnish European, 0.000085%; no homozygotes.

Submission:

GeneDx
Classification: Uncertain significance. Last evaluated: 2026-03-07. Review status: criteria provided, single submitter. Criteria: GeneDx Variant Classification Process June 2021. Collection method: clinical testing. Allele origin: germline.
Comment: Not observed at significant frequency in large population cohorts (gnomAD); In silico analysis supports that this missense variant has a deleterious effect on protein structure/function; Has not been previously published as pathogenic or benign to our knowledge

NM_001385012.1(NBEA):c.1235A>G (p.Tyr412Cys)

Gene: NBEA (neurobeachin; plus strand). Cytogenetic location: 13q13.3.
Variant type: single nucleotide variant.
Coding change: c.1235A>G on transcript NM_001385012.1 (MANE Select); coding-DNA position 1235, A replaced by G.
Protein change: p.Tyr412Cys; replaces tyrosine 412 with cysteine.
Molecular consequence: missense variant.
Genome position (GRCh38, 1-based): chr13:35,058,859, A>G. VCF-style: chr13-35058859-A-G. GRCh37 (hg19) VCF-style: chr13-35632996-A-G.
Other names: c.1235A>G, p.Tyr412Cys (NM_001379245.1, NM_015678.5); short protein forms Y412C.
Identifiers: ClinVar variation 5008520 (VCV005008520.1).